The following is an entry in ClinVar:

ClinVar aggregate classification (germline): Likely benign (1 of 4 stars; one submission).

Conditions:
Lynch syndrome 4 (LYNCH4). Also called: Colorectal cancer, hereditary nonpolyposis, type 4; Hereditary non-polyposis colorectal cancer, type 4. Identifiers: Orphanet 144, MedGen C1838333, MONDO:0013699, OMIM 614337. Disease mechanism: loss of function.

Submission:

Myriad Genetics, Inc.
Classification: Likely benign for Lynch syndrome 4. Last evaluated: 2025-02-03. Review status: criteria provided, single submitter. Criteria: Myriad Autosomal Dominant, Autosomal Recessive and X-Linked Classification Criteria (2023). Collection method: clinical testing. Allele origin: unknown.
Comment: This variant is considered likely benign. This variant is intronic and is not expected to impact mRNA splicing.

NM_000535.7(PMS2):c.2276-12G>C

Gene: PMS2 (PMS1 homolog 2, mismatch repair system component; minus strand). Cytogenetic location: 7p22.1.
Variant type: single nucleotide variant.
Coding change: c.2276-12G>C on transcript NM_000535.7 (MANE Select); 12 bases into the intron before coding-DNA position 2276, G replaced by C.
Molecular consequence: intron variant. On other transcripts: missense variant (7).
Genome position (GRCh38, 1-based): chr7:5,977,769, C>G on the plus strand (G>C on the coding strand, the complement: PMS2 is on the minus strand). VCF-style: chr7-5977769-C-G. GRCh37 (hg19) VCF-style: chr7-6017400-C-G.
Other names: c.1892G>C, p.Cys631Ser (NM_001322009.2, NM_001406887.1, NM_001406888.1); c.2297G>C, p.Cys766Ser (NM_001322014.2); c.2141G>C, p.Cys714Ser (NM_001406870.1); c.1988G>C, p.Cys663Ser (NM_001406875.1); c.1979G>C, p.Cys660Ser (NM_001406876.1); c.1958-12G>C (NM_001322008.2, NM_001406883.1, NM_001322007.2); c.1967-12G>C (NM_001406881.1, NM_001406879.1, NM_001322015.2 and 4 more transcripts); c.1871-12G>C (NM_001406895.1, NM_001322004.2, NM_001406889.1 and 11 more transcripts); and 20 more; short protein forms C631S, C660S, C663S, C714S, C766S.
Identifiers: ClinVar variation 3903721 (VCV003903721.1).